The following is an entry in ClinVar:

ClinVar aggregate classification (germline): Likely benign. Review status: criteria provided, multiple submitters, no conflicts (2 of 4 stars). 3 submissions from 3 submitters: Likely benign (3). Last evaluated 2023-07-01.

Conditions:
Joubert syndrome 15 (JBTS15). Identifiers: Orphanet 475, MedGen C3280897, MONDO:0013763, OMIM 614464.

Allele frequency attached by ClinVar (database versions not stated): ExAC 0.00001; gnomAD 0.00001 and 0.00002; gnomAD exomes 0.00002 and 0.00004; TOPMed 0.00005; 1000 Genomes Project 30x 0.00016; 1000 Genomes Project 0.00020.
gnomAD v4.1: 34 of 1,606,184 alleles (0.0021%); highest among the groups gnomAD compares: Middle Eastern, 0.017%; no homozygotes.

Submissions (3):

CeGaT Center for Human Genetics Tuebingen
Classification: Likely benign. Last evaluated: 2023-07-01. Review status: criteria provided, single submitter. Criteria: CeGaT Center For Human Genetics Tuebingen Variant Classification Criteria Version 2. Collection method: clinical testing. Allele origin: germline. Affected: yes. Observed: 1 variant allele.
Comment: CEP41: BP4, BP7

Blueprint Genetics
Classification: Likely benign. Last evaluated: 2023-04-27. Review status: criteria provided, single submitter. Criteria: ACMG Guidelines, 2015. Collection method: clinical testing. Allele origin: germline.

Labcorp Genetics (formerly Invitae), Labcorp
Classification: Likely benign for Joubert syndrome 15. Last evaluated: 2022-11-29. Review status: criteria provided, single submitter. Criteria: Invitae Variant Classification Sherloc (09022015). Collection method: clinical testing. Allele origin: germline.

NM_018718.3(CEP41):c.753C>T (p.Ser251=)

Gene: CEP41 (centrosomal protein 41; minus strand). Cytogenetic location: 7q32.2.
Variant type: single nucleotide variant.
Coding change: c.753C>T on transcript NM_018718.3 (MANE Select); coding-DNA position 753, C replaced by T.
Protein change: p.Ser251=; no amino-acid change (serine 251 retained).
Molecular consequence: synonymous variant. On other transcripts: non-coding transcript variant (1).
Genome position (GRCh38, 1-based): chr7:130,400,711, G>A on the plus strand (C>T on the coding strand, the complement: CEP41 is on the minus strand). VCF-style: chr7-130400711-G-A. GRCh37 (hg19) VCF-style: chr7-130040552-G-A.
Other names: c.753C>T, p.Ser251= (NM_001257158.2); c.705C>T, p.Ser235= (NM_001257159.2).
Identifiers: ClinVar variation 1578011 (VCV001578011.32), dbSNP rs200612684, ClinGen allele CA4485479.